The following is an entry in ClinVar:

NM_018723.4(RBFOX1):c.424A>G (p.Lys142Glu)

Gene: RBFOX1 (RNA binding fox-1 homolog 1; plus strand). Cytogenetic location: 16p13.3.
Variant type: single nucleotide variant.
Coding change: c.424A>G on transcript NM_018723.4 (MANE Select); coding-DNA position 424, A replaced by G.
Protein change: p.Lys142Glu; replaces lysine 142 with glutamic acid.
Molecular consequence: missense variant.
Genome position (GRCh38, 1-based): chr16:7,587,256, A>G. VCF-style: chr16-7587256-A-G. GRCh37 (hg19) VCF-style: chr16-7637258-A-G.
Other names: c.424A>G, p.Lys142Glu (NM_001142333.2, NM_001142334.2, NM_001364800.2 and 1 more transcripts); c.553A>G, p.Lys185Glu (NM_001308117.1, NM_001411047.1, NM_001415891.1 and 5 more transcripts); c.1021A>G, p.Lys341Glu (NM_001415887.1, NM_001415888.1); c.532A>G, p.Lys178Glu (NM_001415889.1, NM_001415909.1, NM_001415910.1 and 5 more transcripts); c.499A>G, p.Lys167Glu (NM_001415890.1, NM_001415903.1, NM_001415905.1 and 4 more transcripts); c.430A>G, p.Lys144Glu (NM_001415902.1, NM_001415911.1, NM_001415917.1); c.484A>G, p.Lys162Glu (NM_001415904.1, NM_001415906.1, NM_001415915.1 and 4 more transcripts); short protein forms K167E, K178E, K341E, K142E, K144E, K162E, K185E.
Identifiers: ClinVar variation 2743355 (VCV002743355.3), dbSNP rs2509609326, ClinGen allele CA394682666.

ClinVar aggregate classification (germline): Uncertain significance (1 of 4 stars; one submission).

Conditions:
Idiopathic generalized epilepsy. Also called: Generalised epilepsy; EIG. Identifiers: MedGen C0270850, MONDO:0005579, OMIM 600669.

Submission:

Labcorp Genetics (formerly Invitae), Labcorp
Classification: Uncertain significance for Idiopathic generalized epilepsy. Last evaluated: 2023-07-17. Review status: criteria provided, single submitter. Criteria: Invitae Variant Classification Sherloc (09022015). Collection method: clinical testing. Allele origin: germline.
Comment: This variant has not been reported in the literature in individuals affected with RBFOX1-related conditions. In summary, the available evidence is currently insufficient to determine the role of this variant in disease. Therefore, it has been classified as a Variant of Uncertain Significance. Advanced modeling of protein sequence and biophysical properties (such as structural, functional, and spatial information, amino acid conservation, physicochemical variation, residue mobility, and thermodynamic stability) has been performed at Invitae for this missense variant, however the output from this modeling did not meet the statistical confidence thresholds required to predict the impact of this variant on RBFOX1 protein function. This variant is not present in population databases (gnomAD no frequency). This sequence change replaces lysine, which is basic and polar, with glutamic acid, which is acidic and polar, at codon 162 of the RBFOX1 protein (p.Lys162Glu).